The following is an entry in ClinVar:

NM_005732.4(RAD50):c.3667C>T (p.Leu1223Phe)

Genes: TH2LCRR (T helper type 2 locus control region associated RNA; minus strand), TH2-LCR (Th2 cytokine locus control region; plus strand), RAD50 (RAD50 double strand break repair protein; plus strand). Cytogenetic location: 5q31.1.
Variant type: single nucleotide variant.
Coding change: c.3667C>T on transcript NM_005732.4 (MANE Select); coding-DNA position 3667, C replaced by T.
Protein change: p.Leu1223Phe; replaces leucine 1223 with phenylalanine.
Molecular consequence: missense variant.
Genome position (GRCh38, 1-based): chr5:132,640,720, C>T. VCF-style: chr5-132640720-C-T. GRCh37 (hg19) VCF-style: chr5-131976412-C-T.
Other names: short protein forms L1223F.
Identifiers: ClinVar variation 849117 (VCV000849117.12), dbSNP rs1751699912, ClinGen allele CA360934034.

ClinVar aggregate classification (germline): Uncertain significance. Review status: criteria provided, multiple submitters, no conflicts (2 of 4 stars). 2 submissions from 2 submitters: Uncertain significance (2). Last evaluated 2025-08-07.

Conditions:
Hereditary cancer-predisposing syndrome. Also called: Tumor predisposition; Neoplastic Syndromes, Hereditary; Hereditary neoplastic syndrome; Hereditary Cancer Syndrome. Identifiers: Orphanet 140162, MedGen C0027672, MeSH D009386, MONDO:0015356.

Allele frequency attached by ClinVar (database versions not stated): gnomAD exomes below 0.00001.
gnomAD v4.1: 2 of 1,614,178 alleles (0.00012%); highest among the groups gnomAD compares: Non-Finnish European, 0.00017%; no homozygotes.

Submissions (2):

Labcorp Genetics (formerly Invitae), Labcorp
Classification: Uncertain significance for Hereditary cancer-predisposing syndrome. Last evaluated: 2025-08-07. Review status: criteria provided, single submitter. Criteria: Invitae Variant Classification Sherloc (09022015). Collection method: clinical testing. Allele origin: germline.
Comment: This sequence change replaces leucine, which is neutral and non-polar, with phenylalanine, which is neutral and non-polar, at codon 1223 of the RAD50 protein (p.Leu1223Phe). This variant is not present in population databases (gnomAD no frequency). This variant has not been reported in the literature in individuals affected with RAD50-related conditions. ClinVar contains an entry for this variant (Variation ID: 849117). Invitae Evidence Modeling of protein sequence and biophysical properties (such as structural, functional, and spatial information, amino acid conservation, physicochemical variation, residue mobility, and thermodynamic stability) indicates that this missense variant is expected to disrupt RAD50 protein function with a positive predictive value of 80%. In summary, the available evidence is currently insufficient to determine the role of this variant in disease. Therefore, it has been classified as a Variant of Uncertain Significance.

Ambry Genetics
Classification: Uncertain significance for Hereditary cancer-predisposing syndrome. Last evaluated: 2022-12-01. Review status: criteria provided, single submitter. Criteria: Ambry Variant Classification Scheme 2023. Collection method: clinical testing. Allele origin: germline.